The following is an entry in ClinVar:

NM_017570.5(OPLAH):c.843C>G (p.Ser281Arg)

Gene: OPLAH (5-oxoprolinase, ATP-hydrolysing; minus strand). Cytogenetic location: 8q24.3.
Variant type: single nucleotide variant.
Coding change: c.843C>G on transcript NM_017570.5 (MANE Select); coding-DNA position 843, C replaced by G.
Protein change: p.Ser281Arg; replaces serine 281 with arginine.
Molecular consequence: missense variant.
Genome position (GRCh38, 1-based): chr8:144,058,345, G>C on the plus strand (C>G on the coding strand, the complement: OPLAH is on the minus strand). VCF-style: chr8-144058345-G-C. GRCh37 (hg19) VCF-style: chr8-145113248-G-C.
Other names: c.843C>G (NM_017570.3); short protein forms S281R.
Identifiers: ClinVar variation 835652 (VCV000835652.8), dbSNP rs549502677, ClinGen allele CA4932130.

ClinVar aggregate classification (germline): Uncertain significance. Review status: criteria provided, multiple submitters, no conflicts (2 of 4 stars). 2 submissions from 2 submitters: Uncertain significance (2). Last evaluated 2023-12-28.

Conditions:
5-Oxoprolinase deficiency (OPLAHD). Also called: 5-OXOPROLINURIA DUE TO 5-OXOPROLINASE DEFICIENCY. Identifiers: Orphanet 33572, MedGen C0268525, MONDO:0009825, OMIM 260005, HP:0040142.

Allele frequency attached by ClinVar (database versions not stated): 1000 Genomes Project 30x 0.00016; 1000 Genomes Project 0.00020.
gnomAD v4.1: 154 of 1,597,346 alleles (0.0096%); highest among the groups gnomAD compares: South Asian, 0.17%; 2 homozygotes.

Submissions (2):

Ambry Genetics
Classification: Uncertain significance. Last evaluated: 2023-12-28. Review status: criteria provided, single submitter. Criteria: Ambry Variant Classification Scheme 2023. Collection method: clinical testing. Allele origin: germline.

Labcorp Genetics (formerly Invitae), Labcorp
Classification: Uncertain significance for 5-Oxoprolinase deficiency. Last evaluated: 2022-02-24. Review status: criteria provided, single submitter. Criteria: Invitae Variant Classification Sherloc (09022015). Collection method: clinical testing. Allele origin: germline.
Comment: Algorithms developed to predict the effect of missense changes on protein structure and function are either unavailable or do not agree on the potential impact of this missense change (SIFT: "Not Available"; PolyPhen-2: "Benign"; Align-GVGD: "Not Available"). In summary, the available evidence is currently insufficient to determine the role of this variant in disease. Therefore, it has been classified as a Variant of Uncertain Significance. This sequence change replaces serine, which is neutral and polar, with arginine, which is basic and polar, at codon 281 of the OPLAH protein (p.Ser281Arg). This variant is present in population databases (rs549502677, gnomAD 0.2%). This variant has not been reported in the literature in individuals affected with OPLAH-related conditions. ClinVar contains an entry for this variant (Variation ID: 835652).